The following is an entry in ClinVar:

ClinVar aggregate classification (germline): Likely pathogenic (1 of 4 stars; one submission).

Conditions:
MHC class II deficiency. Also called: BLS, TYPE II; Bare lymphocyte syndrome 2. Identifiers: Orphanet 572, MedGen C5447452, MONDO:0008855.

Submission:

Natera, Inc.
Classification: Likely pathogenic for Bare lymphocyte syndrome type II. Last evaluated: 2024-05-01. Review status: criteria provided, single submitter. Criteria: Natera Variant Classification Schema (03/2026). Collection method: clinical testing. Allele origin: germline.
Comment: The c.717delG variant in CIITA is a frameshift variant predicted to shift the reading frame beginning at codon 240 and leads to a stop codon 66 codons downstream. This variant is expected to result in nonsense mediated decay, truncation, or a dysfunctional protein product. This variant is rare in the general population with a frequency below the threshold expected for the associated phenotype(s). Given the available evidence, this variant is classified as Likely Pathogenic.

NM_000246.4(CIITA):c.717del (p.Leu240fs)

Gene: CIITA (class II major histocompatibility complex transactivator; plus strand). Cytogenetic location: 16p13.13.
Variant type: Deletion.
Coding change: c.717del on transcript NM_000246.4 (MANE Select); coding-DNA position 717, one base deleted (G; older notation c.717delG).
Protein change: p.Leu240fs; shifts the reading frame from leucine 240.
Molecular consequence: frameshift variant. On other transcripts: non-coding transcript variant (1).
Genome position (GRCh38, 1-based): chr16:10,902,746, G deleted; the last of 3 consecutive G bases (chr16:10,902,744-10,902,746); deleting any one gives the same sequence. VCF-style (leftmost placement, unchanged base first): chr16-10902743-TG-T. GRCh37 (hg19) VCF-style: chr16-10996600-TG-T.
Other names: c.717del, p.Leu240fs (NM_001379333.1); c.648del, p.Leu217fs (NM_001379334.1); c.720del, p.Leu241fs (NM_001286402.1, NM_001379332.1); c.570del, p.Leu191fs (NM_001286403.2, NM_001379331.1); c.573del, p.Leu192fs (NM_001379330.1); short protein forms L191fs, L192fs, L217fs, L240fs, L241fs.
Identifiers: ClinVar variation 4817982 (VCV004817982.1).